The following is an entry in ClinVar:

NM_004946.3(DOCK2):c.4896T>C (p.Arg1632=)

Gene: DOCK2 (dedicator of cytokinesis 2; plus strand). Cytogenetic location: 5q35.1.
Variant type: single nucleotide variant.
Coding change: c.4896T>C on transcript NM_004946.3 (MANE Select); coding-DNA position 4896, T replaced by C.
Protein change: p.Arg1632=; no amino-acid change (arginine 1632 retained).
Molecular consequence: synonymous variant. On other transcripts: non-coding transcript variant (1).
Genome position (GRCh38, 1-based): chr5:170,077,739, T>C. VCF-style: chr5-170077739-T-C. GRCh37 (hg19) VCF-style: chr5-169504743-T-C.
Other names: p.Arg1632=; c.4896T>C (NM_004946.2).
Identifiers: ClinVar variation 1165183 (VCV001165183.16), dbSNP rs1045168, ClinGen allele CA3554693.

ClinVar aggregate classification (germline): Benign. Review status: criteria provided, multiple submitters, no conflicts (2 of 4 stars). 5 submissions from 5 submitters: Benign (5). Last evaluated 2026-02-04.

Conditions:
DOCK2 deficiency. Also called: Immunodeficiency 40. Identifiers: Orphanet 447737, MedGen C4225328, MONDO:0014637, OMIM 616433.

Allele frequency attached by ClinVar (database versions not stated): gnomAD exomes 0.29003 and 0.30140; 1000 Genomes Project 0.29113; 1000 Genomes Project 30x 0.29809; gnomAD 0.32381 and 0.32042; TOPMed 0.32152; ExAC 0.29493; ESP Exome Variant Server 0.33139.
gnomAD v4.1: 489,988 of 1,613,170 alleles (30%); highest among the groups gnomAD compares: Middle Eastern, 48%; 76,903 homozygotes.

Submissions (5):

Labcorp Genetics (formerly Invitae), Labcorp
Classification: Benign for DOCK2 deficiency. Last evaluated: 2026-02-04. Review status: criteria provided, single submitter. Criteria: Invitae Variant Classification Sherloc (09022015). Collection method: clinical testing. Allele origin: germline.

Women's Health and Genetics/Laboratory Corporation of America, LabCorp
Classification: Benign. Last evaluated: 2026-01-21. Review status: criteria provided, single submitter. Criteria: LabCorp Variant Classification Summary - May 2015. Collection method: clinical testing. Allele origin: germline.

Unidad de Genómica Garrahan, Hospital de Pediatría Garrahan
Classification: Benign. Last evaluated: 2024-01-24. Review status: criteria provided, single submitter. Criteria: ACMG Guidelines, 2015. Collection method: clinical testing. Allele origin: germline. Affected: no. Observed: 46 variant alleles.
Comment: This variant is classified as Benign based on local population frequency. This variant was detected in 48% of patients studied by a panel of primary immunodeficiencies. Number of patients: 46. Only high quality variants are reported.

Mayo Clinic Laboratories, Mayo Clinic
Classification: Benign. Last evaluated: 2022-09-06. Review status: criteria provided, single submitter. Criteria: ACMG Guidelines, 2015. Collection method: clinical testing. Allele origin: germline. Observed: 15 variant alleles.

Genome-Nilou Lab
Classification: Benign for DOCK2 deficiency. Last evaluated: 2021-07-30. Review status: criteria provided, single submitter. Criteria: ACMG Guidelines, 2015. Collection method: clinical testing. Allele origin: germline. Affected: no.